The following is an entry in ClinVar:

NM_018474.6(KIZ):c.1923T>A (p.Asn641Lys)

Gene: KIZ (kizuna centrosomal protein; plus strand). Cytogenetic location: 20p11.23.
Variant type: single nucleotide variant.
Coding change: c.1923T>A on transcript NM_018474.6 (MANE Select); coding-DNA position 1923, T replaced by A.
Protein change: p.Asn641Lys; replaces asparagine 641 with lysine.
Molecular consequence: missense variant.
Genome position (GRCh38, 1-based): chr20:21,244,287, T>A. VCF-style: chr20-21244287-T-A. GRCh37 (hg19) VCF-style: chr20-21224925-T-A.
Other names: c.1614T>A, p.Asn538Lys (NM_001163022.3); c.1524T>A, p.Asn508Lys (NM_001163023.3); c.1776T>A, p.Asn592Lys (NM_001276389.2); c.1869T>A, p.Asn623Lys (NM_001352434.2); c.1560T>A, p.Asn520Lys (NM_001352435.2); c.1581T>A, p.Asn527Lys (NM_001352436.2); short protein forms N508K, N527K, N520K, N641K, N538K, N592K, N623K.
Identifiers: ClinVar variation 2119611 (VCV002119611.4), dbSNP rs2514955181, ClinGen allele CA408496320.

ClinVar aggregate classification (germline): Uncertain significance (1 of 4 stars; one submission).

Submission:

Labcorp Genetics (formerly Invitae), Labcorp
Classification: Uncertain significance. Last evaluated: 2022-03-29. Review status: criteria provided, single submitter. Criteria: Invitae Variant Classification Sherloc (09022015). Collection method: clinical testing. Allele origin: germline.
Comment: In summary, the available evidence is currently insufficient to determine the role of this variant in disease. Therefore, it has been classified as a Variant of Uncertain Significance. Algorithms developed to predict the effect of sequence changes on RNA splicing suggest that this variant may create or strengthen a splice site. This sequence change replaces asparagine, which is neutral and polar, with lysine, which is basic and polar, at codon 641 of the KIZ protein (p.Asn641Lys). This variant is not present in population databases (gnomAD no frequency). This variant has not been reported in the literature in individuals affected with KIZ-related conditions. Experimental studies and prediction algorithms are not available or were not evaluated, and the functional significance of this variant is currently unknown.